The following is an entry in ClinVar:

ClinVar aggregate classification (germline): Likely pathogenic. Review status: criteria provided, multiple submitters, no conflicts (2 of 4 stars). 2 submissions from 2 submitters: Likely pathogenic (2). Last evaluated 2021-12-21.

Conditions:
Hypoparathyroidism. Identifiers: MedGen C0020626, MONDO:0001220, HP:0000829.

Allele frequency attached by ClinVar (database versions not stated): gnomAD exomes below 0.00001; gnomAD 0.00001.

Submissions (2):

Centre of Medical Genetics, University Hospital Muenster
Classification: Likely pathogenic. Last evaluated: 2021-12-21. Review status: criteria provided, single submitter. Criteria: ACMG Guidelines, 2015. Collection method: clinical testing. Allele origin: de novo. Affected: yes. Observed: 1 variant allele, 1 heterozygote.
Comment: ACMG categories: PS2,PM1,PM2

Cambridge Genomics Laboratory, East Genomic Laboratory Hub, NHS Genomic Medicine Service
Classification: Likely pathogenic for Hypoparathyroidism. Last evaluated: 2021-02-01. Review status: criteria provided, single submitter. Criteria: ACGS Best Practice Guidelines for Variant Classification in Rare Disease 2020. Collection method: clinical testing. Allele origin: germline. Inheritance: Autosomal dominant inheritance. Affected: yes. Observed: 1 variant allele.
Comment: Familial testing has shown this variant to be de novo and the variant has therefore been reclassified.

Literature cited by the submitters: PubMed 27317772 (cited by Centre of Medical Genetics, University Hospital Muenster); PubMed 28941052 (cited by Centre of Medical Genetics, University Hospital Muenster).

NM_022552.5(DNMT3A):c.1585G>A (p.Asp529Asn)

Gene: DNMT3A (DNA methyltransferase 3 alpha; minus strand). Cytogenetic location: 2p23.3.
Variant type: single nucleotide variant.
Coding change: c.1585G>A on transcript NM_022552.5 (MANE Select); coding-DNA position 1585, G replaced by A.
Protein change: p.Asp529Asn; replaces aspartic acid 529 with asparagine.
Molecular consequence: missense variant. On other transcripts: non-coding transcript variant (1).
Genome position (GRCh38, 1-based): chr2:25,244,622, C>T on the plus strand (G>A on the coding strand, the complement: DNMT3A is on the minus strand). VCF-style: chr2-25244622-C-T. GRCh37 (hg19) VCF-style: chr2-25467491-C-T.
Other names: c.1129G>A, p.Asp377Asn (NM_001320893.1); c.916G>A, p.Asp306Asn (NM_001375819.1); c.1018G>A, p.Asp340Asn (NM_153759.3); c.1585G>A, p.Asp529Asn (NM_175629.2); short protein forms D306N, D340N, D377N, D529N.
Identifiers: ClinVar variation 1708274 (VCV001708274.4), dbSNP rs962805778, ClinGen allele CA43703790.